The following is an entry in ClinVar:

NM_001374828.1(ARID1B):c.5247_5259del (p.Thr1750fs)

Gene: ARID1B (AT-rich interaction domain 1B; plus strand). Cytogenetic location: 6q25.3.
Variant type: Deletion.
Coding change: c.5247_5259del on transcript NM_001374828.1 (MANE Select); coding-DNA positions 5247 to 5259, 13 bases deleted (TACCTCCAAAGAT).
Protein change: p.Thr1750fs; shifts the reading frame from threonine 1750.
Molecular consequence: frameshift variant.
Genome position (GRCh38, 1-based): chr6:157,201,472-157,201,484, TACCTCCAAAGAT deleted; deleting any 13 consecutive bases within chr6:157,201,466-157,201,484 gives the same sequence; the c. name uses the placement nearest the transcript's 3' end. VCF-style (leftmost placement, unchanged base first): chr6-157201465-GAAAGATTACCTCC-G. GRCh37 (hg19) VCF-style: chr6-157522599-GAAAGATTACCTCC-G.
Other names: c.4878_4890delTACCTCCAAAGAT (NM_020732.3); c.2748_2760del, p.Thr917fs (NM_001363725.2); c.5127_5139del, p.Thr1710fs (NM_001371656.1, NM_001374820.1); c.5088_5100del, p.Thr1697fs (NM_017519.3); short protein forms T917fs, T1697fs, T1710fs, T1750fs.
Identifiers: ClinVar variation 524143 (VCV000524143.2), dbSNP rs1554236045, ClinGen allele CA658796863.

ClinVar aggregate classification (germline): Pathogenic (1 of 4 stars; one submission).

Submission:

GeneDx
Classification: Pathogenic. Last evaluated: 2018-04-24. Review status: criteria provided, single submitter. Criteria: GeneDx Variant Classification (06012015). Collection method: clinical testing. Allele origin: germline. Affected: yes.
Comment: The c.4878_4890del13 variant in the ARID1B gene has not been reported previously as a pathogenic variant nor as a benign variant, to our knowledge. The c.4878_4890del13 variant causes a frameshift starting with codon Threonine 1627, changes this amino acid to a Serine residue, and creates a premature Stop codon at position 9 of the new reading frame, denoted p.Thr1627SerfsX9. This variant is predicted to cause loss of normal protein function either through protein truncation or nonsense-mediated mRNA decay. The c.4878_4890del13 variant is not observed in large population cohorts (Lek et al., 2016). We interpret c.4878_4890del13as a pathogenic variant.